The following is an entry in ClinVar:

ClinVar aggregate classification (germline): Uncertain significance. Review status: criteria provided, multiple submitters, no conflicts (2 of 4 stars). 4 submissions from 4 submitters: Uncertain significance (4). Last evaluated 2026-09-04.

Conditions:
Hereditary cancer-predisposing syndrome. Also called: Tumor predisposition; Neoplastic Syndromes, Hereditary; Hereditary Cancer Syndrome; Hereditary neoplastic syndrome. Identifiers: Orphanet 140162, MedGen C0027672, MeSH D009386, MONDO:0015356.
CDH1-related disorder. Also called: CDH1-related condition.
Hereditary diffuse gastric adenocarcinoma (HDGC). Also called: DIFFUSE GASTRIC AND LOBULAR BREAST CANCER SYNDROME. Identifiers: Orphanet 26106, MedGen C1708349, MONDO:0007648, OMIM 137215.
Familial cancer of breast. Also called: BREAST CANCER, FAMILIAL; hereditary breast carcinoma; Hereditary breast cancer. Identifiers: Orphanet 227535, MedGen C0346153, MONDO:0016419, OMIM 114480. Disease mechanism: loss of function.

Allele frequency attached by ClinVar (database versions not stated): TOPMed below 0.00001.

Submissions (4):

PreventionGenetics, part of Exact Sciences
Classification: Uncertain significance for CDH1-related condition. Last evaluated: 2026-09-04. Review status: criteria provided, single submitter. Criteria: ACMG Guidelines, 2015. Collection method: clinical testing. Allele origin: germline.
Comment: The CDH1 c.2495T>C variant is predicted to result in the amino acid substitution p.Val832Ala. To our knowledge, this variant has not been reported in the literature or in a large population database (gnomAD), indicating this variant is rare. This variant is interpreted as uncertain in ClinVar (Variation ID: 3241020). At this time, the clinical significance of this variant is uncertain due to the absence of conclusive functional and genetic evidence.

Labcorp Genetics (formerly Invitae), Labcorp
Classification: Uncertain significance for Hereditary diffuse gastric adenocarcinoma. Last evaluated: 2025-11-11. Review status: criteria provided, single submitter. Criteria: Invitae Variant Classification Sherloc (09022015). Collection method: clinical testing. Allele origin: germline.
Comment: This sequence change replaces valine, which is neutral and non-polar, with alanine, which is neutral and non-polar, at codon 832 of the CDH1 protein (p.Val832Ala). This variant is not present in population databases (gnomAD no frequency). This variant has not been reported in the literature in individuals affected with CDH1-related conditions. ClinVar contains an entry for this variant (Variation ID: 3241020). An algorithm developed to predict the effect of missense changes on protein structure and function (PolyPhen-2) suggests that this variant is likely to be disruptive. In summary, the available evidence is currently insufficient to determine the role of this variant in disease. Therefore, it has been classified as a Variant of Uncertain Significance.

Ambry Genetics
Classification: Uncertain significance for Hereditary cancer-predisposing syndrome. Last evaluated: 2025-11-04. Review status: criteria provided, single submitter. Criteria: Ambry Variant Classification Scheme 2023. Collection method: clinical testing. Allele origin: germline.
Comment: The p.V832A variant (also known as c.2495T>C), located in coding exon 16 of the CDH1 gene, results from a T to C substitution at nucleotide position 2495. The valine at codon 832 is replaced by alanine, an amino acid with similar properties. This amino acid position is conserved. In addition, this alteration is predicted to be deleterious by in silico analysis. Based on the available evidence, the clinical significance of this variant remains unclear.

Baylor Genetics
Classification: Uncertain significance for Familial cancer of breast. Last evaluated: 2024-03-30. Review status: criteria provided, single submitter. Criteria: ACMG Guidelines, 2015. Collection method: clinical testing. Allele origin: unknown.

NM_004360.5(CDH1):c.2495T>C (p.Val832Ala)

Gene: CDH1 (cadherin 1; plus strand). Cytogenetic location: 16q22.1.
Variant type: single nucleotide variant.
Coding change: c.2495T>C on transcript NM_004360.5 (MANE Select); coding-DNA position 2495, T replaced by C.
Protein change: p.Val832Ala; replaces valine 832 with alanine.
Molecular consequence: missense variant.
Genome position (GRCh38, 1-based): chr16:68,833,345, T>C. VCF-style: chr16-68833345-T-C. GRCh37 (hg19) VCF-style: chr16-68867248-T-C.
Other names: c.2312T>C, p.Val771Ala (NM_001317184.2); c.947T>C, p.Val316Ala (NM_001317185.2); c.530T>C, p.Val177Ala (NM_001317186.2); c.2495T>C (NM_004360.4); short protein forms V177A, V316A, V771A, V832A.
Identifiers: ClinVar variation 3241020 (VCV003241020.4), dbSNP rs1961535846.